The following is an entry in ClinVar:

ClinVar aggregate classification (germline): Uncertain significance (1 of 4 stars; one submission).

Conditions:
Ehlers-Danlos syndrome, classic type, 1 (EDSCL1). Also called: EHLERS-DANLOS SYNDROME, GRAVIS TYPE; EHLERS-DANLOS SYNDROME, SEVERE CLASSIC TYPE; Ehlers-Danlos syndrome, type 1; Ehlers-Danlos Syndrome, Classic Type, COL5A1-Related; EDS I. Identifiers: MedGen C0268335, MONDO:0019567, OMIM 130000.

gnomAD v4.1: 2 of 1,589,014 alleles (0.00013%); highest among the groups gnomAD compares: Non-Finnish European, 0.00017%; no homozygotes.

Submission:

Labcorp Genetics (formerly Invitae), Labcorp
Classification: Uncertain significance for Ehlers-Danlos syndrome, classic type, 1. Last evaluated: 2026-01-19. Review status: criteria provided, single submitter. Criteria: Invitae Variant Classification Sherloc (09022015). Collection method: clinical testing. Allele origin: germline.
Comment: This sequence change replaces proline, which is neutral and non-polar, with leucine, which is neutral and non-polar, at codon 154 of the COL5A2 protein (p.Pro154Leu). This variant is not present in population databases (gnomAD no frequency). This variant has not been reported in the literature in individuals affected with COL5A2-related conditions. Invitae Evidence Modeling of protein sequence and biophysical properties (such as structural, functional, and spatial information, amino acid conservation, physicochemical variation, residue mobility, and thermodynamic stability) indicates that this missense variant is not expected to disrupt COL5A2 protein function with a negative predictive value of 95%. In summary, the available evidence is currently insufficient to determine the role of this variant in disease. Therefore, it has been classified as a Variant of Uncertain Significance.

NM_000393.5(COL5A2):c.461C>T (p.Pro154Leu)

Gene: COL5A2 (collagen type V alpha 2 chain; minus strand). Cytogenetic location: 2q32.2.
Variant type: single nucleotide variant.
Coding change: c.461C>T on transcript NM_000393.5 (MANE Select); coding-DNA position 461, C replaced by T.
Protein change: p.Pro154Leu; replaces proline 154 with leucine.
Molecular consequence: missense variant.
Genome position (GRCh38, 1-based): chr2:189,092,416, G>A on the plus strand (C>T on the coding strand, the complement: COL5A2 is on the minus strand). VCF-style: chr2-189092416-G-A. GRCh37 (hg19) VCF-style: chr2-189957142-G-A.
Other names: short protein forms P154L.
Identifiers: ClinVar variation 4775716 (VCV004775716.1).